The following is an entry in ClinVar:

NM_020461.4(TUBGCP6):c.1024C>T (p.Pro342Ser)

Gene: TUBGCP6 (tubulin gamma complex component 6; minus strand). Cytogenetic location: 22q13.33.
Variant type: single nucleotide variant.
Coding change: c.1024C>T on transcript NM_020461.4 (MANE Select); coding-DNA position 1024, C replaced by T.
Protein change: p.Pro342Ser; replaces proline 342 with serine.
Molecular consequence: missense variant.
Genome position (GRCh38, 1-based): chr22:50,233,408, G>A on the plus strand (C>T on the coding strand, the complement: TUBGCP6 is on the minus strand). VCF-style: chr22-50233408-G-A. GRCh37 (hg19) VCF-style: chr22-50671837-G-A.
Other names: short protein forms P342S.
Identifiers: ClinVar variation 2112254 (VCV002112254.4), dbSNP rs537125675, ClinGen allele CA412110005.

ClinVar aggregate classification (germline): Uncertain significance (1 of 4 stars; one submission).

Submission:

Labcorp Genetics (formerly Invitae), Labcorp
Classification: Uncertain significance. Last evaluated: 2025-03-17. Review status: criteria provided, single submitter. Criteria: Invitae Variant Classification Sherloc (09022015). Collection method: clinical testing. Allele origin: germline.
Comment: This sequence change replaces proline, which is neutral and non-polar, with serine, which is neutral and polar, at codon 342 of the TUBGCP6 protein (p.Pro342Ser). This variant is not present in population databases (gnomAD no frequency). This variant has not been reported in the literature in individuals affected with TUBGCP6-related conditions. ClinVar contains an entry for this variant (Variation ID: 2112254). An algorithm developed to predict the effect of missense changes on protein structure and function (PolyPhen-2) suggests that this variant is likely to be tolerated. In summary, the available evidence is currently insufficient to determine the role of this variant in disease. Therefore, it has been classified as a Variant of Uncertain Significance.